The following is an entry in ClinVar:

ClinVar aggregate classification (germline): Uncertain significance (1 of 4 stars; one submission).

Submission:

Labcorp Genetics (formerly Invitae), Labcorp
Classification: Uncertain significance. Last evaluated: 2022-11-23. Review status: criteria provided, single submitter. Criteria: Invitae Variant Classification Sherloc (09022015). Collection method: clinical testing. Allele origin: germline.
Comment: In summary, the available evidence is currently insufficient to determine the role of this variant in disease. Therefore, it has been classified as a Variant of Uncertain Significance. Advanced modeling of protein sequence and biophysical properties (such as structural, functional, and spatial information, amino acid conservation, physicochemical variation, residue mobility, and thermodynamic stability) performed at Invitae indicates that this missense variant is not expected to disrupt SAMD9L protein function. This variant has not been reported in the literature in individuals affected with SAMD9L-related conditions. This variant is not present in population databases (gnomAD no frequency). This sequence change replaces glutamine, which is neutral and polar, with proline, which is neutral and non-polar, at codon 912 of the SAMD9L protein (p.Gln912Pro).

NM_152703.5(SAMD9L):c.2735A>C (p.Gln912Pro)

Gene: SAMD9L (sterile alpha motif domain containing 9 like; minus strand). Cytogenetic location: 7q21.2.
Variant type: single nucleotide variant.
Coding change: c.2735A>C on transcript NM_152703.5 (MANE Select); coding-DNA position 2735, A replaced by C.
Protein change: p.Gln912Pro; replaces glutamine 912 with proline.
Molecular consequence: missense variant.
Genome position (GRCh38, 1-based): chr7:93,133,237, T>G on the plus strand (A>C on the coding strand, the complement: SAMD9L is on the minus strand). VCF-style: chr7-93133237-T-G. GRCh37 (hg19) VCF-style: chr7-92762550-T-G.
Other names: c.2735A>C, p.Gln912Pro (NM_001303496.3, NM_001303497.3, NM_001303498.3 and 5 more transcripts); short protein forms Q912P.
Identifiers: ClinVar variation 2815630 (VCV002815630.3), dbSNP rs2535417950, ClinGen allele CA368186520.